The following is an entry in ClinVar:

NM_000156.6(GAMT):c.484C>T (p.Pro162Ser)

Gene: GAMT (guanidinoacetate N-methyltransferase; minus strand). Cytogenetic location: 19p13.3.
Variant type: single nucleotide variant.
Coding change: c.484C>T on transcript NM_000156.6 (MANE Select); coding-DNA position 484, C replaced by T.
Protein change: p.Pro162Ser; replaces proline 162 with serine.
Molecular consequence: missense variant.
Genome position (GRCh38, 1-based): chr19:1,399,002, G>A on the plus strand (C>T on the coding strand, the complement: GAMT is on the minus strand). VCF-style: chr19-1399002-G-A. GRCh37 (hg19) VCF-style: chr19-1399001-G-A.
Other names: c.484C>T, p.Pro162Ser (NM_138924.3); c.484C>T (NM_000156.5); short protein forms P162S.
Identifiers: ClinVar variation 1015209 (VCV001015209.9), dbSNP rs1727242337, ClinGen allele CA402994640.
Genomic context (GRCh38, chr19:1,399,002, plus strand): 5'-ACTTGGACTTCATCAGCTCCCCCCAGGAGGTGAGGTTGCAGTAGGTGAGGACGCCCCCCG[G>A]CTTCAGCAGGCGAAAGGCGTGGTTCTGTGGAAGGGGAGTGGCCAGTGGTCAGGACGGAGG-3'
Protein context (NP_000147.1, residues 152-172): IKNHAFRLLK[Pro162Ser]GGVLTYCNLT

ClinVar aggregate classification (germline): Uncertain significance. Review status: criteria provided, multiple submitters, no conflicts (2 of 4 stars). 2 submissions from 2 submitters: Uncertain significance (2). Last evaluated 2024-07-27.

Conditions:
Inborn genetic diseases. Identifiers: MedGen C0950123, MeSH D030342.
Cerebral creatine deficiency syndrome. Also called: Creatine deficiency syndromes. Identifiers: Orphanet 79172, MedGen C5244016, MONDO:0000456.

Allele frequency attached by ClinVar (database versions not stated): gnomAD exomes below 0.00001; TOPMed 0.00001.
gnomAD v4.1: 2 of 1,613,468 alleles (0.00012%); highest among the groups gnomAD compares: African/African-American, 0.0013%; no homozygotes.

Submissions (2):

Ambry Genetics
Classification: Uncertain significance for Inborn genetic diseases. Last evaluated: 2024-07-27. Review status: criteria provided, single submitter. Criteria: Ambry Variant Classification Scheme 2023. Collection method: clinical testing. Allele origin: germline.

Labcorp Genetics (formerly Invitae), Labcorp
Classification: Uncertain significance for Cerebral creatine deficiency syndrome. Last evaluated: 2020-04-14. Review status: criteria provided, single submitter. Criteria: Invitae Variant Classification Sherloc (09022015). Collection method: clinical testing. Allele origin: germline.
Comment: This sequence change replaces proline with serine at codon 162 of the GAMT protein (p.Pro162Ser). The proline residue is highly conserved and there is a moderate physicochemical difference between proline and serine. In summary, the available evidence is currently insufficient to determine the role of this variant in disease. Therefore, it has been classified as a Variant of Uncertain Significance. Algorithms developed to predict the effect of missense changes on protein structure and function are either unavailable or do not agree on the potential impact of this missense change (SIFT: "Deleterious"; PolyPhen-2: "Benign"; Align-GVGD: "Class C0"). This variant has not been reported in the literature in individuals with GAMT-related conditions. This variant is not present in population databases (ExAC no frequency).